The following is an entry in ClinVar:

NM_000543.5(SMPD1):c.796C>G (p.Leu266Val)

Gene: SMPD1 (sphingomyelin phosphodiesterase 1; plus strand). Cytogenetic location: 11p15.4.
Variant type: single nucleotide variant.
Coding change: c.796C>G on transcript NM_000543.5 (MANE Select); coding-DNA position 796, C replaced by G.
Protein change: p.Leu266Val; replaces leucine 266 with valine.
Molecular consequence: missense variant. On other transcripts: 5 prime UTR variant (1), non-coding transcript variant (1).
Genome position (GRCh38, 1-based): chr11:6,391,861, C>G. VCF-style: chr11-6391861-C-G. GRCh37 (hg19) VCF-style: chr11-6413091-C-G.
Other names: c.793C>G, p.Leu265Val (NM_001007593.3); c.796C>G, p.Leu266Val (NM_001318087.2, NM_001365135.2); c.-166C>G (NM_001318088.2); short protein forms L265V, L266V.
Identifiers: ClinVar variation 2056572 (VCV002056572.1), dbSNP rs200681698, ClinGen allele CA5852685.

ClinVar aggregate classification (germline): Uncertain significance (1 of 4 stars; one submission).

Conditions:
Niemann-Pick disease, type B. Also called: Chronic Visceral ASMD (Niemann-Pick Disease Type B; NPD-B). Identifiers: Orphanet 77293, MedGen C0268243, MONDO:0011871, OMIM 607616. Disease mechanism: loss of function.
Niemann-Pick disease, type A. Also called: Infantile Neurovisceral ASMD (Niemann-Pick Disease Type A; NPD-A); SPHINGOMYELIN LIPIDOSIS; SPHINGOMYELINASE DEFICIENCY. Identifiers: Orphanet 77292, MedGen C0268242, MONDO:0009756, OMIM 257200. Disease mechanism: loss of function.

Allele frequency attached by ClinVar (database versions not stated): gnomAD exomes 0.00001; ExAC 0.00002; TOPMed 0.00002; gnomAD 0.00003; 1000 Genomes Project 30x 0.00016; 1000 Genomes Project 0.00020.
gnomAD v4.1: 19 of 1,613,916 alleles (0.0012%); highest among the groups gnomAD compares: Admixed American, 0.0033%; no homozygotes.

Submission:

Labcorp Genetics (formerly Invitae), Labcorp
Classification: Uncertain significance for Niemann-Pick disease, type B; Niemann-Pick disease, type A. Last evaluated: 2022-08-15. Review status: criteria provided, single submitter. Criteria: Invitae Variant Classification Sherloc (09022015). Collection method: clinical testing. Allele origin: germline.
Comment: This sequence change replaces leucine, which is neutral and non-polar, with valine, which is neutral and non-polar, at codon 266 of the SMPD1 protein (p.Leu266Val). This variant is present in population databases (rs200681698, gnomAD 0.003%). This variant has not been reported in the literature in individuals affected with SMPD1-related conditions. Advanced modeling of protein sequence and biophysical properties (such as structural, functional, and spatial information, amino acid conservation, physicochemical variation, residue mobility, and thermodynamic stability) performed at Invitae indicates that this missense variant is not expected to disrupt SMPD1 protein function. Algorithms developed to predict the effect of sequence changes on RNA splicing suggest that this variant may create or strengthen a splice site. In summary, the available evidence is currently insufficient to determine the role of this variant in disease. Therefore, it has been classified as a Variant of Uncertain Significance.